The following is an entry in ClinVar:

NM_001849.4(COL6A2):c.2285T>C (p.Met762Thr)

Gene: COL6A2 (collagen type VI alpha 2 chain; plus strand). Cytogenetic location: 21q22.3.
Variant type: single nucleotide variant.
Coding change: c.2285T>C on transcript NM_001849.4 (MANE Select); coding-DNA position 2285, T replaced by C.
Protein change: p.Met762Thr; replaces methionine 762 with threonine.
Molecular consequence: missense variant.
Genome position (GRCh38, 1-based): chr21:46,126,100, T>C. VCF-style: chr21-46126100-T-C. GRCh37 (hg19) VCF-style: chr21-47546014-T-C.
Other names: c.2285T>C, p.Met762Thr (NM_058174.3, NM_058175.3); short protein forms M762T.
Identifiers: ClinVar variation 1898016 (VCV001898016.5), dbSNP rs765340743, ClinGen allele CA10072504.
Genomic context (GRCh38, chr21:46,126,100, plus strand): 5'-TCAACTTGCGGGCGCTGTGCGACCGCGACGTCACAGTGACGGCCATCGGCATCGGGGACA[T>C]GTTCCACGAGAAGCACGAGAGTGAAAACCTCTACTCCATCGCCTGCGACAAGCCACAGCA-3'
Protein context (NP_001840.3, residues 752-772): VTVTAIGIGD[Met762Thr]FHEKHESENL

ClinVar aggregate classification (germline): Uncertain significance (1 of 4 stars; one submission).

Conditions:
Bethlem myopathy 1A. Also called: Bethlem myopathy 1; MYOPATHY, BENIGN CONGENITAL, WITH CONTRACTURES; Bethlem Muscular Dystrophy. Identifiers: Orphanet 610, MedGen CN029274, MONDO:0024530, OMIM 158810.

Allele frequency attached by ClinVar (database versions not stated): gnomAD exomes below 0.00001; ExAC 0.00001; TOPMed 0.00001.
gnomAD v4.1: 3 of 1,612,788 alleles (0.00019%); highest among the groups gnomAD compares: South Asian, 0.0011%; no homozygotes.

Submission:

Labcorp Genetics (formerly Invitae), Labcorp
Classification: Uncertain significance for Bethlem myopathy 1A. Last evaluated: 2022-02-05. Review status: criteria provided, single submitter. Criteria: Invitae Variant Classification Sherloc (09022015). Collection method: clinical testing. Allele origin: germline.
Comment: This sequence change replaces methionine, which is neutral and non-polar, with threonine, which is neutral and polar, at codon 762 of the COL6A2 protein (p.Met762Thr). This variant is present in population databases (rs765340743, gnomAD 0.002%). This variant has not been reported in the literature in individuals affected with COL6A2-related conditions. Algorithms developed to predict the effect of missense changes on protein structure and function are either unavailable or do not agree on the potential impact of this missense change (SIFT: "Deleterious"; PolyPhen-2: "Benign"; Align-GVGD: "Class C0"). In summary, the available evidence is currently insufficient to determine the role of this variant in disease. Therefore, it has been classified as a Variant of Uncertain Significance.